The following is an entry in ClinVar:

NM_000288.4(PEX7):c.130+10C>A

Gene: PEX7 (peroxisomal biogenesis factor 7; plus strand). Cytogenetic location: 6q23.3.
Variant type: single nucleotide variant.
Coding change: c.130+10C>A on transcript NM_000288.4 (MANE Select); 10 bases into the intron after coding-DNA position 130, C replaced by A.
Molecular consequence: intron variant.
Genome position (GRCh38, 1-based): chr6:136,822,805, C>A. VCF-style: chr6-136822805-C-A. GRCh37 (hg19) VCF-style: chr6-137143943-C-A.
Other names: c.130+10C>A (NM_000288.3).
Identifiers: ClinVar variation 193077 (VCV000193077.15), dbSNP rs794726882, ClinGen allele CA238582.

ClinVar aggregate classification (germline): Conflicting classifications of pathogenicity. Review status: criteria provided, conflicting classifications (1 of 4 stars). 4 submissions from 4 submitters: Uncertain significance (1); Likely benign (2). 1 of the submissions does not count toward it. Last evaluated 2024-05-05.

Conditions:
PEX7-related disorder. Also called: PEX7-related condition; PEX7-related disorders. Identifiers: MedGen CN239409.
Peroxisome biogenesis disorder 9B. Also called: PEROXISOME BIOGENESIS DISORDER, PEX7-RELATED, ATYPICAL; PEX7-Related Refsum Disease; Refsum disease, adult, 2. Identifiers: Orphanet 773, MedGen C2749346, MONDO:0013945, OMIM 614879.

gnomAD v4.1: 21 of 1,284,616 alleles (0.0016%); highest among the groups gnomAD compares: South Asian, 0.0051%; no homozygotes.

Submissions (4):

Labcorp Genetics (formerly Invitae), Labcorp
Classification: Likely benign for Peroxisome biogenesis disorder 9B. Last evaluated: 2024-05-05. Review status: criteria provided, single submitter. Criteria: Invitae Variant Classification Sherloc (09022015). Collection method: clinical testing. Allele origin: germline.

Blueprint Genetics
Classification: Likely benign. Last evaluated: 2021-11-08. Review status: criteria provided, single submitter. Criteria: ACMG Guidelines, 2015. Collection method: clinical testing. Allele origin: germline.

Eurofins Ntd Llc (ga)
Classification: Uncertain significance. Last evaluated: 2015-05-04. Review status: criteria provided, single submitter. Criteria: EGL Classification Definitions 2015. Collection method: clinical testing. Allele origin: germline. Observed: 1 variant allele, 1 heterozygote.

PreventionGenetics, part of Exact Sciences
Classification: Likely benign for PEX7-related condition. Last evaluated: 2021-12-14. Review status: no assertion criteria provided. Collection method: clinical testing. Allele origin: germline. Not counted in ClinVar's aggregate classification.
Comment: This variant is classified as likely benign based on ACMG/AMP sequence variant interpretation guidelines (Richards et al. 2015 PMID: 25741868, with internal and published modifications).